The following is an entry in ClinVar:

NM_002447.4(MST1R):c.4129C>T (p.Gln1377Ter)

Gene: MST1R (macrophage stimulating 1 receptor; minus strand). Cytogenetic location: 3p21.31.
Variant type: single nucleotide variant.
Coding change: c.4129C>T on transcript NM_002447.4 (MANE Select); coding-DNA position 4129, C replaced by T.
Protein change: p.Gln1377Ter; replaces glutamine 1377 with a stop codon.
Molecular consequence: nonsense. On other transcripts: non-coding transcript variant (1).
Genome position (GRCh38, 1-based): chr3:49,887,381, G>A on the plus strand (C>T on the coding strand, the complement: MST1R is on the minus strand). VCF-style: chr3-49887381-G-A. GRCh37 (hg19) VCF-style: chr3-49924814-G-A.
Other names: c.3982C>T, p.Gln1328Ter (NM_001244937.3); c.3811C>T, p.Gln1271Ter (NM_001318913.2); short protein forms Q1271*, Q1328*, Q1377*.
Identifiers: ClinVar variation 1049215 (VCV001049215.1), dbSNP rs368400291, ClinGen allele CA74572958.

ClinVar aggregate classification (germline): Uncertain significance (0 of 4 stars; one submission).

Allele frequency attached by ClinVar (database versions not stated): gnomAD 0.00002; gnomAD exomes 0.00002 and 0.00008; TOPMed 0.00002; ESP Exome Variant Server 0.00008.

Submission:

Department of Pathology and Laboratory Medicine, Sinai Health System
Classification: Uncertain significance. Review status: no assertion criteria provided. Collection method: clinical testing. Allele origin: unknown. Affected: yes. Study: The Canadian Open Genetics Repository (COGR).
Comment: The MST1R p.Gln1271* variant was not identified in the literature nor was it identified in the ClinVar or Cosmic databases but was identified in dbSNP (ID: rs368400291) and LOVD 3.0. The variant was identified in control databases in 6 of 282850 chromosomes at a frequency of 0.000021 (Genome Aggregation Database Feb 27, 2017). The variant was observed in the following populations: European (non-Finnish) in 5 of 129156 chromosomes (freq: 0.000039) and South Asian in 1 of 30616 chromosomes (freq: 0.000033), but was not observed in the African, Latino, Ashkenazi Jewish, East Asian, European (Finnish), and Other populations. The c.3811C>T variant leads to a premature stop codon at position 1271 which is predicted to lead to a truncated or absent protein. Loss of function variants of the MST1R gene are not an established mechanism of disease, therefore the impact of this variant on the protein is not known. In summary, based on the above information the clinical significance of this variant cannot be determined with certainty at this time. This variant is classified as a variant of uncertain significance.